The following is an entry in ClinVar:

NM_000548.5(TSC2):c.161T>G (p.Leu54Arg)

Gene: TSC2 (TSC complex subunit 2; plus strand). Cytogenetic location: 16p13.3.
Variant type: single nucleotide variant.
Coding change: c.161T>G on transcript NM_000548.5 (MANE Select); coding-DNA position 161, T replaced by G.
Protein change: p.Leu54Arg; replaces leucine 54 with arginine.
Molecular consequence: missense variant. On other transcripts: 5 prime UTR variant (1).
Genome position (GRCh38, 1-based): chr16:2,050,422, T>G. VCF-style: chr16-2050422-T-G. GRCh37 (hg19) VCF-style: chr16-2100423-T-G.
Other names: c.161T>G, p.Leu54Arg (NM_001370404.1, NM_001370405.1, NM_001406663.1 and 13 more transcripts); c.14T>G, p.Leu5Arg (NM_001406675.1, NM_001406676.1, NM_001406679.1 and 2 more transcripts); c.-656T>G (NM_001406680.1, NM_001406683.1, NM_001406687.1); c.-285T>G (NM_001406681.1); c.-66T>G (NM_001406682.1, NM_001406684.1, NM_001406685.1 and 3 more transcripts); c.-1271T>G (NM_001406689.1, NM_001406690.1, NM_001406691.1 and 2 more transcripts); c.-1577T>G (NM_001406693.1); c.-1152T>G (NM_001406694.1, NM_001406695.1); and 3 more; short protein forms L5R, L54R, L65R.
Identifiers: ClinVar variation 2130977 (VCV002130977.4), dbSNP rs2150995490, ClinGen allele CA394303207.
Genomic context (GRCh38, chr16:2,050,422, plus strand): 5'-GAGCACTGGCCCCTTTTTCTTCTTTCATCTCTCTCCAGGAACTGAGCATGGAATGTGGCC[T>G]CAACAATCGCATCCGGATGATAGGGCAGATTTGTGAAGTCGCAAAAACCAAGAAATTTGA-3'
Protein context (NP_000539.2, residues 44-64): ILRELSMECG[Leu54Arg]NNRIRMIGQI

ClinVar aggregate classification (germline): Uncertain significance (1 of 4 stars; one submission).

Conditions:
Tuberous sclerosis 2 (TSC2). Identifiers: Orphanet 805, MedGen C1860707, MONDO:0013199, OMIM 613254.

Submission:

Labcorp Genetics (formerly Invitae), Labcorp
Classification: Uncertain significance for Tuberous sclerosis 2. Last evaluated: 2022-04-27. Review status: criteria provided, single submitter. Criteria: Invitae Variant Classification Sherloc (09022015). Collection method: clinical testing. Allele origin: germline.
Comment: In summary, the available evidence is currently insufficient to determine the role of this variant in disease. Therefore, it has been classified as a Variant of Uncertain Significance. Advanced modeling of protein sequence and biophysical properties (such as structural, functional, and spatial information, amino acid conservation, physicochemical variation, residue mobility, and thermodynamic stability) performed at Invitae indicates that this missense variant is not expected to disrupt TSC2 protein function. This variant has not been reported in the literature in individuals affected with TSC2-related conditions. This variant is not present in population databases (gnomAD no frequency). This sequence change replaces leucine, which is neutral and non-polar, with arginine, which is basic and polar, at codon 54 of the TSC2 protein (p.Leu54Arg).